The following is an entry in ClinVar:

NM_004963.4(GUCY2C):c.594A>C (p.Glu198Asp)

Genes: GUCY2C (guanylate cyclase 2C; minus strand), GUCY2C-AS1 (GUCY2C antisense RNA 1; plus strand). Cytogenetic location: 12p12.3.
Variant type: single nucleotide variant.
Coding change: c.594A>C on transcript NM_004963.4 (MANE Select); coding-DNA position 594, A replaced by C.
Protein change: p.Glu198Asp; replaces glutamic acid 198 with aspartic acid.
Molecular consequence: missense variant.
Genome position (GRCh38, 1-based): chr12:14,683,059, T>G on the plus strand (A>C on the coding strand, the complement: GUCY2C is on the minus strand). VCF-style: chr12-14683059-T-G. GRCh37 (hg19) VCF-style: chr12-14835993-T-G.
Other names: short protein forms E198D.
Identifiers: ClinVar variation 4697614 (VCV004697614.1).

ClinVar aggregate classification (germline): Uncertain significance (1 of 4 stars; one submission).

Submission:

Labcorp Genetics (formerly Invitae), Labcorp
Classification: Uncertain significance. Last evaluated: 2025-03-04. Review status: criteria provided, single submitter. Criteria: Invitae Variant Classification Sherloc (09022015). Collection method: clinical testing. Allele origin: germline.
Comment: This sequence change replaces glutamic acid, which is acidic and polar, with aspartic acid, which is acidic and polar, at codon 198 of the GUCY2C protein (p.Glu198Asp). This variant is not present in population databases (gnomAD no frequency). This variant has not been reported in the literature in individuals affected with GUCY2C-related conditions. An algorithm developed to predict the effect of missense changes on protein structure and function outputs the following: PolyPhen-2: "Benign". The aspartic acid amino acid residue is found in multiple mammalian species, which suggests that this missense change does not adversely affect protein function. In summary, the available evidence is currently insufficient to determine the role of this variant in disease. Therefore, it has been classified as a Variant of Uncertain Significance.